The following is an entry in ClinVar:

ClinVar aggregate classification (germline): Likely pathogenic. Review status: criteria provided, multiple submitters, no conflicts (2 of 4 stars). 2 submissions from 2 submitters: Likely pathogenic (2). Last evaluated 2023-05-24.

Conditions:
Adenylosuccinate lyase deficiency (ADSLD). Also called: ADSL DEFICIENCY. Identifiers: Orphanet 46, MedGen C0268126, MONDO:0007068, OMIM 103050.
ADSL-related disorder. Also called: ADSL-related condition.

Allele frequency attached by ClinVar (database versions not stated): gnomAD 0.00001.
gnomAD v4.1: 1 of 1,612,922 alleles (0.000062%); highest among the groups gnomAD compares: Non-Finnish European, 0.000085%; no homozygotes.

Submissions (2):

Women's Health and Genetics/Laboratory Corporation of America, LabCorp
Classification: Likely pathogenic for Adenylosuccinate lyase deficiency. Last evaluated: 2023-05-24. Review status: criteria provided, single submitter. Criteria: LabCorp Variant Classification Summary - May 2015. Collection method: clinical testing. Allele origin: germline.
Comment: Variant summary: ADSL c.482+1G>C is located in a canonical splice-site and is predicted to affect mRNA splicing resulting in a significantly altered protein due to either exon skipping, shortening, or inclusion of intronic material. Several computational tools predict a significant impact on normal splicing: Four predict the variant abolishes a canonical 5' splicing donor site, and two predict the variant creates a cryptic 3' acceptor site 1 nucleotide downstream into the intron. However, these predictions have yet to be confirmed by functional studies. The variant allele was found at a frequency of 6.6e-06 in 150984 control chromosomes (gnomAD v3.1.2). To our knowledge, no occurrence of c.482+1G>C in individuals affected with Adenylosuccinate Lyase Deficiency and no experimental evidence demonstrating its impact on protein function have been reported. No clinical diagnostic laboratories have submitted clinical-significance assessments for this variant to ClinVar after 2014. Based on the evidence outlined above, the variant was classified as likely pathogenic.

Blueprint Genetics
Classification: Likely pathogenic for ADSL-related disorders. Last evaluated: 2022-09-26. Review status: criteria provided, single submitter. Criteria: ACMG Guidelines, 2015. Collection method: clinical testing. Allele origin: germline. Affected: yes. Observed: 4 variant alleles.

NM_000026.4(ADSL):c.482+1G>C

Gene: ADSL (adenylosuccinate lyase; plus strand). Cytogenetic location: 22q13.1.
Variant type: single nucleotide variant.
Coding change: c.482+1G>C on transcript NM_000026.4 (MANE Select); the canonical splice donor site of the intron after coding-DNA position 482, G replaced by C.
Molecular consequence: splice donor variant.
Genome position (GRCh38, 1-based): chr22:40,354,328, G>C. VCF-style: chr22-40354328-G-C. GRCh37 (hg19) VCF-style: chr22-40750332-G-C.
Other names: c.482+1G>C (NM_001363840.3, NM_001410812.1, NM_001123378.3 and 1 more transcripts); c.437+1G>C (NM_001410814.1); c.290+1G>C (NM_001317923.2).
Identifiers: ClinVar variation 2506273 (VCV002506273.2), dbSNP rs1341872544, ClinGen allele CA411639248.
Genomic context (GRCh38, chr22:40,354,328, plus strand): 5'-GCTTGCCGACTTTGCTAAGGAACGAGCCAGTCTACCCACATTAGGTTTCACACATTTCCA[G>C]TAAGTGATAAGATTACTTCTTGTTTATGTGCATATGGCTTTCAGCTGCTTCTTGAGTTCT-3'